The following is an entry in ClinVar:

NM_198586.2(NHLRC1):c.-105C>G

Gene: NHLRC1 (NHL repeat containing E3 ubiquitin protein ligase 1; minus strand). Cytogenetic location: 6p22.3.
Variant type: single nucleotide variant.
Coding change: c.-105C>G on transcript NM_198586.2; 105 bases upstream of the start codon, C replaced by G.
Genome position (GRCh38, 1-based): chr6:18,122,711, G>C on the plus strand (C>G on the coding strand, the complement: NHLRC1 is on the minus strand). VCF-style: chr6-18122711-G-C. GRCh37 (hg19) VCF-style: chr6-18122942-G-C.
Identifiers: ClinVar variation 673176 (VCV000673176.3), dbSNP rs12111366, ClinGen allele CA134960162.
Genomic context (GRCh38, chr6:18,122,711, plus strand): 5'-GCGACGCTCTCGGTCACGGTCACAGTCATGGTCACGGGGTGGGACGTGCGCCCTGACGTC[G>C]AGCGCCGCGGGCCTCTGCACTGCGATCTGCTGCCCCTTGGTGGGCACGCGCGGCACTGTT-3'

ClinVar aggregate classification (germline): Benign (1 of 4 stars; one submission).

Allele frequency attached by ClinVar (database versions not stated): 1000 Genomes Project 0.04712; gnomAD 0.04855 and 0.04996; 1000 Genomes Project 30x 0.04763; TOPMed 0.05134.

Submission:

GeneDx
Classification: Benign. Last evaluated: 2018-06-14. Review status: criteria provided, single submitter. Criteria: GeneDx Variant Classification (06012015). Collection method: clinical testing. Allele origin: germline. Affected: yes.
Comment: This variant is considered likely benign or benign based on one or more of the following criteria: it is a conservative change, it occurs at a poorly conserved position in the protein, it is predicted to be benign by multiple in silico algorithms, and/or has population frequency not consistent with disease.